The following is an entry in ClinVar:

NM_001035.3(RYR2):c.4069G>T (p.Asp1357Tyr)

Genes: RYR2 (ryanodine receptor 2; plus strand), LOC126806067 (BRD4-independent group 4 enhancer GRCh37_chr1:237753258-237754457; plus strand). Cytogenetic location: 1q43.
Variant type: single nucleotide variant.
Coding change: c.4069G>T on transcript NM_001035.3 (MANE Select); coding-DNA position 4069, G replaced by T.
Protein change: p.Asp1357Tyr; replaces aspartic acid 1357 with tyrosine.
Molecular consequence: missense variant.
Genome position (GRCh38, 1-based): chr1:237,590,901, G>T. VCF-style: chr1-237590901-G-T. GRCh37 (hg19) VCF-style: chr1-237754201-G-T.
Other names: short protein forms D1357Y.
Identifiers: ClinVar variation 4727579 (VCV004727579.1).

ClinVar aggregate classification (germline): Uncertain significance (1 of 4 stars; one submission).

Conditions:
Catecholaminergic polymorphic ventricular tachycardia 1. Also called: RYR2-Related Catecholaminergic Polymorphic Ventricular Tachycardia; VENTRICULAR TACHYCARDIA, STRESS-INDUCED POLYMORPHIC 1; VENTRICULAR TACHYCARDIA, CATECHOLAMINERGIC POLYMORPHIC, 1, WITH OR WITHOUT ATRIAL DYSFUNCTION AND/OR DILATED CARDIOMYOPATHY. Identifiers: Orphanet 3286, MedGen C1631597, MONDO:0011484, OMIM 604772.

Submission:

Labcorp Genetics (formerly Invitae), Labcorp
Classification: Uncertain significance for Catecholaminergic polymorphic ventricular tachycardia 1. Last evaluated: 2025-09-15. Review status: criteria provided, single submitter. Criteria: Invitae Variant Classification Sherloc (09022015). Collection method: clinical testing. Allele origin: germline.
Comment: This sequence change replaces aspartic acid, which is acidic and polar, with tyrosine, which is neutral and polar, at codon 1357 of the RYR2 protein (p.Asp1357Tyr). This variant is not present in population databases (gnomAD no frequency). This variant has not been reported in the literature in individuals affected with RYR2-related conditions. Invitae Evidence Modeling of protein sequence and biophysical properties (such as structural, functional, and spatial information, amino acid conservation, physicochemical variation, residue mobility, and thermodynamic stability) indicates that this missense variant is not expected to disrupt RYR2 protein function with a negative predictive value of 95%. In summary, the available evidence is currently insufficient to determine the role of this variant in disease. Therefore, it has been classified as a Variant of Uncertain Significance.